The following is an entry in ClinVar:

ClinVar aggregate classification (germline): Uncertain significance (1 of 4 stars; one submission).

Submission:

Labcorp Genetics (formerly Invitae), Labcorp
Classification: Uncertain significance. Last evaluated: 2023-04-12. Review status: criteria provided, single submitter. Criteria: Invitae Variant Classification Sherloc (09022015). Collection method: clinical testing. Allele origin: germline.
Comment: In summary, the available evidence is currently insufficient to determine the role of this variant in disease. Therefore, it has been classified as a Variant of Uncertain Significance. This variant has not been reported in the literature in individuals affected with TNFRSF6B-related conditions. This variant is not present in population databases (gnomAD no frequency). This variant, c.343_348dup, results in the insertion of 2 amino acid(s) of the TNFRSF6B protein (p.Cys115_Arg116dup), but otherwise preserves the integrity of the reading frame.

NM_003823.4(TNFRSF6B):c.337TGCCGC[3] (p.Arg116_Thr117insCysArg)

Genes: RTEL1-TNFRSF6B (RTEL1-TNFRSF6B readthrough (NMD candidate); plus strand), TNFRSF6B (TNF receptor superfamily member 6b; plus strand). Cytogenetic location: 20q13.33.
Variant type: Microsatellite.
Coding change: c.337TGCCGC[3] on transcript NM_003823.4 (MANE Select); three copies in a row of the 6-base unit TGCCGC starting at c.337; the reference has two copies in a row; one copy, 6 bases duplicated.
Protein change: p.Arg116_Thr117insCysArg.
Molecular consequence: inframe insertion. On other transcripts: non-coding transcript variant (1).
Genome position (GRCh38, 1-based): chr20:63,697,110-63,697,115, TGCCGC duplicated; duplicating any 6 consecutive bases within chr20:63,697,103-63,697,115 gives the same sequence; the position shown is the placement nearest the transcript's 3' end. VCF-style (leftmost placement, unchanged base first): chr20-63697102-C-CCTGCCG. GRCh37 (hg19) VCF-style: chr20-62328455-C-CCTGCCG.
Identifiers: ClinVar variation 2789789 (VCV002789789.3), dbSNP rs2517216783, ClinGen allele CA2739277245.